The following is an entry in ClinVar:

ClinVar aggregate classification (germline): Uncertain significance. Review status: criteria provided, multiple submitters, no conflicts (2 of 4 stars). 2 submissions from 2 submitters: Uncertain significance (2). Last evaluated 2023-01-04.

Allele frequency attached by ClinVar (database versions not stated): gnomAD exomes 0.00001; ExAC 0.00001; TOPMed 0.00001; ESP Exome Variant Server 0.00008.
gnomAD v4.1: 9 of 1,614,214 alleles (0.00056%); highest among the groups gnomAD compares: Non-Finnish European, 0.00076%; no homozygotes.

Submissions (2):

GeneDx
Classification: Uncertain significance. Last evaluated: 2023-01-04. Review status: criteria provided, single submitter. Criteria: GeneDx Variant Classification Process June 2021. Collection method: clinical testing. Allele origin: germline. Affected: yes.
Comment: Identified in the heterozygous state in one patient with type 1 diabetes but segregation data is not provided (Porksen et al., 2010); In silico analysis supports that this missense variant has a deleterious effect on protein structure/function; Not observed at significant frequency in large population cohorts (gnomAD); This variant is associated with the following publications: (PMID: 20863361)

Genetic Services Laboratory, University of Chicago
Classification: Uncertain significance. Last evaluated: 2016-04-15. Review status: criteria provided, single submitter. Criteria: ACMG Guidelines, 2015. Collection method: clinical testing. Allele origin: germline. Affected: no.

NM_000352.6(ABCC8):c.4588C>T (p.Arg1530Cys)

Gene: ABCC8 (ATP binding cassette subfamily C member 8; minus strand). Cytogenetic location: 11p15.1.
Variant type: single nucleotide variant.
Coding change: c.4588C>T on transcript NM_000352.6 (MANE Select); coding-DNA position 4588, C replaced by T.
Protein change: p.Arg1530Cys; replaces arginine 1530 with cysteine.
Molecular consequence: missense variant. On other transcripts: non-coding transcript variant (1).
Genome position (GRCh38, 1-based): chr11:17,393,717, G>A on the plus strand (C>T on the coding strand, the complement: ABCC8 is on the minus strand). VCF-style: chr11-17393717-G-A. GRCh37 (hg19) VCF-style: chr11-17415264-G-A.
Other names: c.4591C>T, p.Arg1531Cys (NM_001287174.3); c.4654C>T, p.Arg1552Cys (NM_001351295.2); c.4588C>T, p.Arg1530Cys (NM_001351296.2); c.4585C>T, p.Arg1529Cys (NM_001351297.2); c.4588C>T (NM_000352.3); short protein forms R1530C, R1531C, R1529C, R1552C.
Identifiers: ClinVar variation 434042 (VCV000434042.7), dbSNP rs148808854, ClinGen allele CA5902425.